The following is an entry in ClinVar:

NM_000059.4(BRCA2):c.556_567del (p.Ala186_Asp189del)

Gene: BRCA2 (BRCA2 DNA repair associated; plus strand). Cytogenetic location: 13q13.1.
Variant type: Deletion.
Coding change: c.556_567del on transcript NM_000059.4 (MANE Select); coding-DNA positions 556 to 567, 12 bases deleted (GCTGAGGTGGAT).
Protein change: p.Ala186_Asp189del.
Molecular consequence: inframe deletion. On other transcripts: non-coding transcript variant (1), inframe indel (1).
Genome position (GRCh38, 1-based): chr13:32,326,538-32,326,549, GCTGAGGTGGAT deleted. VCF-style (leftmost placement, unchanged base first): chr13-32326537-AGCTGAGGTGGAT-A. GRCh37 (hg19) VCF-style: chr13-32900674-AGCTGAGGTGGAT-A.
Other names: c.556_567del, p.Ala186_Asp189del (NM_001406719.1, NM_001406720.1, NM_001406721.1 and 1 more transcripts); c.187_198del, p.Ala63_Asp66del (NM_001406722.1); c.556_567del12 (NM_000059.3).
Identifiers: ClinVar variation 4628322 (VCV004628322.1).

ClinVar aggregate classification (germline): Uncertain significance (1 of 4 stars; one submission).

Conditions:
Hereditary cancer-predisposing syndrome. Also called: Neoplastic Syndromes, Hereditary; Tumor predisposition; Hereditary Cancer Syndrome; Hereditary neoplastic syndrome. Identifiers: Orphanet 140162, MedGen C0027672, MeSH D009386, MONDO:0015356.

Submission:

Ambry Genetics
Classification: Uncertain significance for Hereditary cancer-predisposing syndrome. Last evaluated: 2025-09-16. Review status: criteria provided, single submitter. Criteria: Ambry Variant Classification Scheme 2023. Collection method: clinical testing. Allele origin: germline.
Comment: The c.556_567del12 variant (also known as p.A186_D189del) is located in coding exon 6 of the BRCA2 gene. This variant results from an in-frame GCTGAGGTGGAT deletion at nucleotide positions 556 to 567. This results in the in-frame deletion of four amino acid residues at codons 186 to 189. This amino acid region is well conserved in available vertebrate species. In addition, this variant is predicted to be deleterious by in silico analysis (Choi Y et al. PLoS ONE. 2012; 7(10):e46688). Based on the available evidence, the clinical significance of this variant remains unclear.